The following is an entry in ClinVar:

ClinVar aggregate classification (germline): Benign. Review status: criteria provided, multiple submitters, no conflicts (2 of 4 stars). 14 submissions from 14 submitters: Benign (11). 3 of the submissions do not count toward it. Last evaluated 2026-02-04.

Conditions:
Alport syndrome. Also called: Hemorrhagic familial nephritis; Hemorrhagic hereditary nephritis; Congenital hereditary hematuria. Identifiers: Orphanet 63, MedGen C1567741, MONDO:0018965.
Autosomal recessive Alport syndrome (ATS2). Also called: ALPORT SYNDROME 2, AUTOSOMAL RECESSIVE; Alport syndrome type 2; COL4A4 Alport Syndrome and Thin Basement Membrane Nephropathy; COL4A3-Related Nephropathy. Identifiers: Orphanet 63, Orphanet 88919, MedGen C4746745, MONDO:0008762, OMIM 203780.

Allele frequency attached by ClinVar (database versions not stated): gnomAD exomes 0.53983 and 0.51104; 1000 Genomes Project 30x 0.54482; 1000 Genomes Project 0.54852; ESP Exome Variant Server 0.50904; gnomAD 0.51006 and 0.51380; TOPMed 0.51712; ExAC 0.53445.

Submissions (14):

Labcorp Genetics (formerly Invitae), Labcorp
Classification: Benign. Last evaluated: 2026-02-04. Review status: criteria provided, single submitter. Criteria: Invitae Variant Classification Sherloc (09022015). Collection method: clinical testing. Allele origin: germline.

Women's Health and Genetics/Laboratory Corporation of America, LabCorp
Classification: Benign. Last evaluated: 2024-11-29. Review status: criteria provided, single submitter. Criteria: LabCorp Variant Classification Summary - May 2015. Collection method: clinical testing. Allele origin: germline.

Blueprint Genetics
Classification: Benign. Last evaluated: 2024-11-26. Review status: criteria provided, single submitter. Criteria: ACMG Guidelines, 2015. Collection method: clinical testing. Allele origin: germline.

Unidad de Genómica Garrahan, Hospital de Pediatría Garrahan
Classification: Benign. Last evaluated: 2024-07-15. Review status: criteria provided, single submitter. Criteria: ACMG Guidelines, 2015. Collection method: clinical testing. Allele origin: germline. Affected: no. Observed: 68 variant alleles.
Comment: This variant is classified as Benign based on local population frequency. This variant was detected in 73% of patients studied in a panel designed for Epileptic and Developmental Encephalopathy and Progressive Myoclonus Epilepsy. Number of patients: 68. Only high quality variants are reported.

Mayo Clinic Laboratories, Mayo Clinic
Classification: Benign. Last evaluated: 2023-08-08. Review status: criteria provided, single submitter. Criteria: ACMG Guidelines, 2015. Collection method: clinical testing. Allele origin: germline. Observed: 295 variant alleles.
Comment: BA1, BS2

Genome-Nilou Lab
Classification: Benign for Autosomal recessive Alport syndrome. Last evaluated: 2021-07-10. Review status: criteria provided, single submitter. Criteria: ACMG Guidelines, 2015. Collection method: clinical testing. Allele origin: germline. Affected: no.

Illumina Laboratory Services, Illumina
Classification: Benign for Alport syndrome. Last evaluated: 2018-01-13. Review status: criteria provided, single submitter. Criteria: ICSL Variant Classification Criteria 13 December 2019. Collection method: clinical testing. Allele origin: germline.
Comment: This variant was observed in the ICSL laboratory as part of a predisposition screen in an ostensibly healthy population. It had not been previously curated by ICSL or reported in the Human Gene Mutation Database (HGMD: prior to June 1st, 2018), and was therefore a candidate for classification through an automated scoring system. Utilizing variant allele frequency, disease prevalence and penetrance estimates, and inheritance mode, an automated score was calculated to assess if this variant is too frequent to cause the disease. Based on the score and internal cut-off values, a variant classified as benign is not then subjected to further curation. The score for this variant resulted in a classification of benign for this disease.

GeneDx
Classification: Benign. Last evaluated: 2017-05-09. Review status: criteria provided, single submitter. Criteria: GeneDx Variant Classification (06012015). Collection method: clinical testing. Allele origin: germline. Affected: yes.
Comment: This variant is considered likely benign or benign based on one or more of the following criteria: it is a conservative change, it occurs at a poorly conserved position in the protein, it is predicted to be benign by multiple in silico algorithms, and/or has population frequency not consistent with disease.

Laboratory for Molecular Medicine, Mass General Brigham Personalized Medicine
Classification: Benign. Last evaluated: 2016-03-21. Review status: criteria provided, single submitter. Criteria: LMM Criteria. Collection method: clinical testing. Allele origin: germline. Observed: 221 variant alleles.
Comment: p.Pro482Ser in exon 21 of COL4A4: This variant is not expected to have clinical significance because it has been identified in 68.08% (7860/11546) of Latino chr omosomes by the Exome Aggregation Consortium (ExAC, rg; dbSNP rs2229814).

Breakthrough Genomics
Classification: Benign. Review status: criteria provided, single submitter. Criteria: ACMG Guidelines, 2015. Collection method: not provided. Allele origin: germline. Inheritance: Autosomal recessive inheritance. Affected: yes.

PreventionGenetics, part of Exact Sciences
Classification: Benign. Review status: criteria provided, single submitter. Criteria: ACMG Guidelines, 2015. Collection method: clinical testing. Allele origin: germline.

Natera, Inc.
Classification: Benign for Alport syndrome. Last evaluated: 2020-09-16. Review status: no assertion criteria provided. Collection method: clinical testing. Allele origin: germline. Not counted in ClinVar's aggregate classification.

Diagnostic Laboratory, Department of Genetics, University Medical Center Groningen
Classification: Benign. Review status: no assertion criteria provided. Collection method: clinical testing. Allele origin: germline. Affected: yes. Study: VKGL Data-share Consensus. Not counted in ClinVar's aggregate classification.

Joint Genome Diagnostic Labs from Nijmegen and Maastricht, Radboudumc and MUMC+
Classification: Benign. Review status: no assertion criteria provided. Collection method: clinical testing. Allele origin: germline. Affected: yes. Study: VKGL Data-share Consensus. Not counted in ClinVar's aggregate classification.

NM_000092.5(COL4A4):c.1444C>T (p.Pro482Ser)

Gene: COL4A4 (collagen type IV alpha 4 chain; minus strand). Cytogenetic location: 2q36.3.
Variant type: single nucleotide variant.
Coding change: c.1444C>T on transcript NM_000092.5 (MANE Select); coding-DNA position 1444, C replaced by T.
Protein change: p.Pro482Ser; replaces proline 482 with serine.
Molecular consequence: missense variant.
Genome position (GRCh38, 1-based): chr2:227,089,883, G>A on the plus strand (C>T on the coding strand, the complement: COL4A4 is on the minus strand). VCF-style: chr2-227089883-G-A. GRCh37 (hg19) VCF-style: chr2-227954599-G-A.
Other names: short protein forms P482S.
Identifiers: ClinVar variation 255014 (VCV000255014.32), dbSNP rs2229814, ClinGen allele CA2145165.